The following is an entry in ClinVar:

NC_000016.9:g.(?_70497094)_(70834803_?)dup

Genes: COG4 (component of oligomeric golgi complex 4; minus strand), FCSK (fucose kinase; plus strand), IL34 (interleukin 34; plus strand), MTSS2 (MTSS I-BAR domain containing 2; minus strand), SF3B3 (splicing factor 3b subunit 3; plus strand) and 1 more. Cytogenetic location: 16q22.1-22.2.
Variant type: Duplication.
Identifiers: ClinVar variation 2426425 (VCV002426425.3).

ClinVar aggregate classification (germline): Uncertain significance (1 of 4 stars; one submission).

Submission:

Labcorp Genetics (formerly Invitae), Labcorp
Classification: Uncertain significance. Last evaluated: 2022-03-13. Review status: criteria provided, single submitter. Criteria: Invitae Variant Classification Sherloc (09022015). Collection method: clinical testing. Allele origin: germline.
Comment: A copy number gain of the genomic region encompassing the full coding sequence of the VAC14 gene has been identified. The boundaries of this event are unknown as they extend beyond the assayed region for this gene and therefore may encompass additional genes. As the precise location of this event is unknown, it may be in tandem or it may be located elsewhere in the genome. This variant has not been reported in the literature in individuals affected with VAC14-related conditions. In summary, the available evidence is currently insufficient to determine the role of this variant in disease. Therefore, it has been classified as a Variant of Uncertain Significance.